The following is an entry in ClinVar:

NM_024675.4(PALB2):c.1442_1443del (p.Leu481fs)

Gene: PALB2 (partner and localizer of BRCA2; minus strand). Cytogenetic location: 16p12.2.
Variant type: Deletion.
Coding change: c.1442_1443del on transcript NM_024675.4 (MANE Select); coding-DNA positions 1442 to 1443, 2 bases deleted (TT; older notation c.1442_1443delTT).
Protein change: p.Leu481fs; shifts the reading frame from leucine 481.
Molecular consequence: frameshift variant. On other transcripts: intron variant (3).
Genome position (GRCh38, 1-based): chr16:23,635,103-23,635,104, AA deleted on the plus strand (TT on the coding strand, the reverse complement: PALB2 is on the minus strand). VCF-style (leftmost placement, unchanged base first): chr16-23635102-GAA-G. GRCh37 (hg19) VCF-style: chr16-23646423-GAA-G.
Other names: c.1382_1383del, p.Leu461fs (NM_001407296.1); c.1442_1443del, p.Leu481fs (NM_001407297.1, NM_001407298.1, NM_001407299.1 and 3 more transcripts); c.557_558del, p.Leu186fs (NM_001407304.1, NM_001407305.1, NM_001407306.1 and 5 more transcripts); c.49-5829_49-5828del (NM_001407314.1); c.-104-4635_-104-4634del (NM_001407313.1, NM_001407312.1); short protein forms L186fs, L461fs, L481fs.
Identifiers: ClinVar variation 2673846 (VCV002673846.4), dbSNP rs2506477382, ClinGen allele CA2695197472.
Genomic context (GRCh38, chr16:23,635,102, plus strand): 5'-TCCTAGACAAGTCATTATCTTCAGTGGGCCCAGCGGGAGAGCTGACTTTAGTTAATGAGA[GAA>G]GTTTCTGAGAGGTTCTTGAACTTGGTTGTCCTGTGCATGTGCCAGACATCCTAATTTCAC-3'

ClinVar aggregate classification (germline): Pathogenic. Review status: criteria provided, multiple submitters, no conflicts (2 of 4 stars). 3 submissions from 3 submitters: Pathogenic (3). Last evaluated 2024-02-19.

Conditions:
Hereditary cancer-predisposing syndrome. Also called: Tumor predisposition; Hereditary neoplastic syndrome; Neoplastic Syndromes, Hereditary; Hereditary Cancer Syndrome. Identifiers: Orphanet 140162, MedGen C0027672, MeSH D009386, MONDO:0015356.
Familial cancer of breast. Also called: Hereditary breast cancer; BREAST CANCER, FAMILIAL; hereditary breast carcinoma. Identifiers: Orphanet 227535, MedGen C0346153, MONDO:0016419, OMIM 114480. Disease mechanism: loss of function.

Submissions (3):

Labcorp Genetics (formerly Invitae), Labcorp
Classification: Pathogenic for Familial cancer of breast. Last evaluated: 2024-02-19. Review status: criteria provided, single submitter. Criteria: Invitae Variant Classification Sherloc (09022015). Collection method: clinical testing. Allele origin: germline.
Comment: This sequence change creates a premature translational stop signal (p.Leu481Profs*5) in the PALB2 gene. It is expected to result in an absent or disrupted protein product. Loss-of-function variants in PALB2 are known to be pathogenic (PMID: 17200668, 17200671, 17200672, 24136930, 25099575). This variant is not present in population databases (gnomAD no frequency). This variant has not been reported in the literature in individuals affected with PALB2-related conditions. For these reasons, this variant has been classified as Pathogenic.

Ambry Genetics
Classification: Pathogenic for Hereditary cancer-predisposing syndrome. Last evaluated: 2023-11-17. Review status: criteria provided, single submitter. Criteria: Ambry Variant Classification Scheme 2023. Collection method: clinical testing. Allele origin: germline.
Comment: The c.1442_1443delTT pathogenic mutation, located in coding exon 4 of the PALB2 gene, results from a deletion of two nucleotides at nucleotide positions 1442 to 1443, causing a translational frameshift with a predicted alternate stop codon (p.L481Pfs*5). This variant is considered to be rare based on population cohorts in the Genome Aggregation Database (gnomAD). This alteration is expected to result in loss of function by premature protein truncation or nonsense-mediated mRNA decay. As such, this alteration is interpreted as a disease-causing mutation.

Myriad Genetics, Inc.
Classification: Pathogenic for Familial cancer of breast. Last evaluated: 2023-09-08. Review status: criteria provided, single submitter. Criteria: Myriad Autosomal Dominant, Autosomal Recessive and X-Linked Classification Criteria (2023). Collection method: clinical testing. Allele origin: unknown.
Comment: This variant is considered pathogenic. This variant creates a frameshift predicted to result in premature protein truncation.

Literature cited by the submitters: PubMed 17200668 (cited by Labcorp Genetics (formerly Invitae), Labcorp); PubMed 17200671 (cited by Labcorp Genetics (formerly Invitae), Labcorp); PubMed 17200672 (cited by Labcorp Genetics (formerly Invitae), Labcorp); PubMed 24136930 (cited by Labcorp Genetics (formerly Invitae), Labcorp); PubMed 25099575 (cited by Labcorp Genetics (formerly Invitae), Labcorp).